The following is an entry in ClinVar:

NM_001077.4(UGT2B17):c.311dup (p.Asn104fs)

Gene: UGT2B17 (UDP glucuronosyltransferase family 2 member B17; minus strand). Cytogenetic location: 4q13.2.
Variant type: Duplication.
Coding change: c.311dup on transcript NM_001077.4 (MANE Select); coding-DNA position 311, one base duplicated (A; older notation c.311dupA).
Protein change: p.Asn104fs; shifts the reading frame from asparagine 104.
Molecular consequence: frameshift variant.
Genome position (GRCh38, 1-based): chr4:68,568,174, T duplicated on the plus strand (A on the coding strand, the reverse complement: UGT2B17 is on the minus strand); the first of 6 consecutive T bases (chr4:68,568,174-68,568,179); duplicating any one gives the same sequence. VCF-style (leftmost placement, unchanged base first): chr4-68568173-A-AT. GRCh37 (hg19) VCF-style: chr4-69433891-A-AT.
Other names: c.311dupA (NM_001077.3); short protein forms N104fs.
Identifiers: ClinVar variation 713076 (VCV000713076.29), dbSNP rs369061334, ClinGen allele CA2942275.

ClinVar aggregate classification (germline): Likely benign. Review status: criteria provided, multiple submitters, no conflicts (2 of 4 stars). 3 submissions from 3 submitters: Likely benign (2). 1 of the submissions does not count toward it. Last evaluated 2026-04-01.

Conditions:
UGT2B17-related disorder. Also called: UGT2B17-related condition.

Submissions (3):

CeGaT Center for Human Genetics Tuebingen
Classification: Likely benign. Last evaluated: 2026-04-01. Review status: criteria provided, single submitter. Criteria: CeGaT Center For Human Genetics Tuebingen Variant Classification Criteria Version 2. Collection method: clinical testing. Allele origin: germline. Affected: yes. Observed: 5 variant alleles.
Comment: UGT2B17: BS2

Labcorp Genetics (formerly Invitae), Labcorp
Classification: Likely benign. Last evaluated: 2019-12-31. Review status: criteria provided, single submitter. Criteria: Invitae Variant Classification Sherloc (09022015). Collection method: clinical testing. Allele origin: germline.

PreventionGenetics, part of Exact Sciences
Classification: Likely benign for UGT2B17-related condition. Last evaluated: 2022-10-31. Review status: no assertion criteria provided. Collection method: clinical testing. Allele origin: germline. Not counted in ClinVar's aggregate classification.
Comment: This variant is classified as likely benign based on ACMG/AMP sequence variant interpretation guidelines (Richards et al. 2015 PMID: 25741868, with internal and published modifications).